The following is an entry in ClinVar:

NM_001818.5(AKR1C4):c.85-5T>C

Gene: AKR1C4 (aldo-keto reductase family 1 member C4; plus strand). Cytogenetic location: 10p15.1.
Variant type: single nucleotide variant.
Coding change: c.85-5T>C on transcript NM_001818.5 (MANE Select); 5 bases into the intron before coding-DNA position 85, T replaced by C.
Molecular consequence: intron variant.
Genome position (GRCh38, 1-based): chr10:5,200,176, T>C. VCF-style: chr10-5200176-T-C. GRCh37 (hg19) VCF-style: chr10-5242139-T-C.
Identifiers: ClinVar variation 4993670 (VCV004993670.1).
Genomic context (GRCh38, chr10:5,200,176, plus strand): 5'-TTTTCCTGTTTCACTACCTCTCAAGCACATTGATCACCAAATACTACCTTTCGTTGCTCC[T>C]TCAGGTTCCGAGGAACAGAGCTGTAGAGGTCACCAAATTAGCAATAGAAGCTGGCTTCCG-3'

ClinVar aggregate classification (germline): Likely benign (1 of 4 stars; one submission).

Conditions:
AKR1C4-related disorder. Also called: AKR1C4-related condition.

gnomAD v4.1: 1 of 1,609,054 alleles (0.000062%); highest among the groups gnomAD compares: Non-Finnish European, 0.000085%; no homozygotes.

Submission:

PreventionGenetics, part of Exact Sciences
Classification: Likely benign for AKR1C4-related condition. Last evaluated: 2026-02-10. Review status: criteria provided, single submitter. Criteria: ACMG Guidelines, 2015. Collection method: clinical testing. Allele origin: germline.
Comment: This variant is classified as likely benign based on ACMG/AMP sequence variant interpretation guidelines (Richards et al. 2015 PMID: 25741868, with internal and published modifications).